The following is an entry in ClinVar:

NM_004863.4(SPTLC2):c.355G>A (p.Glu119Lys)

Gene: SPTLC2 (serine palmitoyltransferase long chain base subunit 2; minus strand). Cytogenetic location: 14q24.3.
Variant type: single nucleotide variant.
Coding change: c.355G>A on transcript NM_004863.4 (MANE Select); coding-DNA position 355, G replaced by A.
Protein change: p.Glu119Lys; replaces glutamic acid 119 with lysine.
Molecular consequence: missense variant.
Genome position (GRCh38, 1-based): chr14:77,579,082, C>T on the plus strand (G>A on the coding strand, the complement: SPTLC2 is on the minus strand). VCF-style: chr14-77579082-C-T. GRCh37 (hg19) VCF-style: chr14-78045425-C-T.
Other names: NM_004863.4(SPTLC2):c.355G>A; p.Glu119Lys; short protein forms E119K.
Identifiers: ClinVar variation 647879 (VCV000647879.11), dbSNP rs1595002000, ClinGen allele CA390701107.

ClinVar aggregate classification (germline): Uncertain significance. Review status: criteria provided, multiple submitters, no conflicts (2 of 4 stars). 2 submissions from 2 submitters: Uncertain significance (2). Last evaluated 2025-06-27.

Conditions:
Neuropathy, hereditary sensory and autonomic, type 1C. Also called: HSAN IC; HSN IC. Identifiers: Orphanet 36386, MedGen C3150896, MONDO:0013337, OMIM 613640.

Submissions (2):

Broad Center for Mendelian Genomics, Broad Institute of MIT and Harvard
Classification: Uncertain significance for Neuropathy, hereditary sensory and autonomic, type 1C. Last evaluated: 2025-06-27. Review status: criteria provided, single submitter. Criteria: ACMG Guidelines, 2015. Collection method: curation. Allele origin: germline. Inheritance: Autosomal dominant inheritance. Study: GREGoR Consortium.
Comment: Trio genome analysis showed this variant to be de novo. This variant in has not been previously reported in the literature in individuals with neuropathy, hereditary sensory and autonomic, type 1C, and was absent from large population studies. This variant has also been reported in ClinVar (VCV000647879.9) and has been interpreted as a variant of uncertain significance by Labcorp Genetics. Computational prediction tools and conservation analyses suggest that this variant may impact the protein, though this information is not predictive enough to determine pathogenicity. In summary, while there is some suspicion for a pathogenic role, the clinical significance of this variant is uncertain. ACMG/AMP Criteria applied: PP3, PM2_supporting, PS2_supporting (Richards 2015).

Labcorp Genetics (formerly Invitae), Labcorp
Classification: Uncertain significance for Neuropathy, hereditary sensory and autonomic, type 1C. Last evaluated: 2019-10-14. Review status: criteria provided, single submitter. Criteria: Invitae Variant Classification Sherloc (09022015). Collection method: clinical testing. Allele origin: germline.
Comment: This sequence change replaces glutamic acid with lysine at codon 119 of the SPTLC2 protein (p.Glu119Lys). The glutamic acid residue is highly conserved and there is a small physicochemical difference between glutamic acid and lysine. This variant is not present in population databases (ExAC no frequency). This variant has not been reported in the literature in individuals with SPTLC2-related disease. Algorithms developed to predict the effect of missense changes on protein structure and function are either unavailable or do not agree on the potential impact of this missense change (SIFT: "Deleterious"; PolyPhen-2: "Benign"; Align-GVGD: "Class C0"). In summary, the available evidence is currently insufficient to determine the role of this variant in disease. Therefore, it has been classified as a Variant of Uncertain Significance.